The following is an entry in ClinVar:

NM_000090.4(COL3A1):c.2932-6A>T

Gene: COL3A1 (collagen type III alpha 1 chain; plus strand). Cytogenetic location: 2q32.2.
Variant type: single nucleotide variant.
Coding change: c.2932-6A>T on transcript NM_000090.4 (MANE Select); 6 bases into the intron before coding-DNA position 2932, A replaced by T.
Molecular consequence: intron variant.
Genome position (GRCh38, 1-based): chr2:189,005,344, A>T. VCF-style: chr2-189005344-A-T. GRCh37 (hg19) VCF-style: chr2-189870070-A-T.
Identifiers: ClinVar variation 1151050 (VCV001151050.10), dbSNP rs1688561621, ClinGen allele CA1315403634.

ClinVar aggregate classification (germline): Conflicting classifications of pathogenicity. Review status: criteria provided, conflicting classifications (1 of 4 stars). 2 submissions from 2 submitters: Uncertain significance (1); Likely benign (1). Last evaluated 2024-08-01.

Conditions:
Ehlers-Danlos syndrome, type 4 (EDSVASC). Also called: Ehlers-Danlos syndrome vascular type; Ehlers Danlos syndrome, ecchymotic type; Ehlers Danlos syndrome, arterial type; Ehlers Danlos syndrome, Sack-Barabas type; Ehlers-Danlos Syndrome Type IV. Identifiers: Orphanet 286, MedGen C0268338, MONDO:0017314, OMIM 130050.

Allele frequency attached by ClinVar (database versions not stated): TOPMed below 0.00001.

Submissions (2):

Labcorp Genetics (formerly Invitae), Labcorp
Classification: Likely benign for Ehlers-Danlos syndrome, type 4. Last evaluated: 2024-08-01. Review status: criteria provided, single submitter. Criteria: Invitae Variant Classification Sherloc (09022015). Collection method: clinical testing. Allele origin: germline.

All of Us Research Program, National Institutes of Health
Classification: Uncertain significance for Ehlers-Danlos syndrome, type 4. Last evaluated: 2023-10-02. Review status: criteria provided, single submitter. Criteria: ACMG Guidelines, 2015. Collection method: clinical testing. Allele origin: germline. Inheritance: Autosomal dominant inheritance. Observed: 2 variant alleles, 2 heterozygotes.
Comment: This variant causes an A to T nucleotide substitution at the -6 position of intron 40 of the COL3A1 gene. To our knowledge, functional studies have not been reported for this variant. This variant has not been reported in individuals affected with COL3A1-related disorders in the literature. This variant has not been identified in the general population by the Genome Aggregation Database (gnomAD). The available evidence is insufficient to determine the role of this variant in disease conclusively. Therefore, this variant is classified as a Variant of Uncertain Significance.

This study involves interpretation of variants in research participants for the purpose of population health screening. Participant phenotype was not available at the time of variant classification. Additional details can be found in publication PMID: 35346344, PMCID: PMC8962531